The following is an entry in ClinVar:

NM_001081.4(CUBN):c.4280G>C (p.Ser1427Thr)

Gene: CUBN (cubilin; minus strand). Cytogenetic location: 10p13.
Variant type: single nucleotide variant.
Coding change: c.4280G>C on transcript NM_001081.4 (MANE Select); coding-DNA position 4280, G replaced by C.
Protein change: p.Ser1427Thr; replaces serine 1427 with threonine.
Molecular consequence: missense variant.
Genome position (GRCh38, 1-based): chr10:16,990,404, C>G on the plus strand (G>C on the coding strand, the complement: CUBN is on the minus strand). VCF-style: chr10-16990404-C-G. GRCh37 (hg19) VCF-style: chr10-17032403-C-G.
Other names: short protein forms S1427T.
Identifiers: ClinVar variation 1387620 (VCV001387620.8), dbSNP rs754229455, ClinGen allele CA376145940.
Genomic context (GRCh38, chr10:16,990,404, plus strand): 5'-TCAAAGTTGCACCTTGAATGATACTCCACATCGAAGTCATGGATGGTGAGCTGAATGCTA[C>G]TCCCGGGGTCCGTCCTAATGTACCAGATACACTCCTTGTTTGGTGGATACCTGTTGGGGA-3'
Protein context (NP_001072.2, residues 1417-1437): CIWYIRTDPG[Ser1427Thr]SIQLTIHDFD

ClinVar aggregate classification (germline): Uncertain significance (1 of 4 stars; one submission).

Conditions:
Imerslund-Grasbeck syndrome. Also called: Megaloblastic anemia due to inborn errors of metabolism; ENTEROCYTE COBALAMIN MALABSORPTION; ENTEROCYTE INTRINSIC FACTOR RECEPTOR, DEFECT OF; PERNICIOUS ANEMIA, JUVENILE, DUE TO SELECTIVE INTESTINAL MALABSORPTION OF VITAMIN B12, WITH PROTEINURIA; Imerslund-Gräsbeck syndrome. Identifiers: Orphanet 35858, MedGen C4551825, MONDO:0009853.

gnomAD v4.1: 1 of 1,614,182 alleles (0.000062%); highest among the groups gnomAD compares: South Asian, 0.0011%; no homozygotes.

Submission:

Labcorp Genetics (formerly Invitae), Labcorp
Classification: Uncertain significance for Imerslund-Grasbeck syndrome. Last evaluated: 2021-06-29. Review status: criteria provided, single submitter. Criteria: Invitae Variant Classification Sherloc (09022015). Collection method: clinical testing. Allele origin: germline.
Comment: This variant has not been reported in the literature in individuals with CUBN-related conditions. Algorithms developed to predict the effect of missense changes on protein structure and function output the following: SIFT: "Tolerated"; PolyPhen-2: "Benign"; Align-GVGD: "Class C0". The threonine amino acid residue is found in multiple mammalian species, suggesting that this missense change does not adversely affect protein function. These predictions have not been confirmed by published functional studies and their clinical significance is uncertain. In summary, the available evidence is currently insufficient to determine the role of this variant in disease. Therefore, it has been classified as a Variant of Uncertain Significance. This variant is not present in population databases (ExAC no frequency). This sequence change replaces serine with threonine at codon 1427 of the CUBN protein (p.Ser1427Thr). The serine residue is moderately conserved and there is a small physicochemical difference between serine and threonine.